The following is an entry in ClinVar:

ClinVar aggregate classification (germline): Uncertain significance. Review status: criteria provided, multiple submitters, no conflicts (2 of 4 stars). 2 submissions from 2 submitters: Uncertain significance (2). Last evaluated 2023-10-01.

Conditions:
3-methylglutaconic aciduria, type VIIB (MGCA7B). Also called: CLPB Deficiency; 3-methylglutaconic aciduria, type VII, with cataracts, neurologic involvement and neutropenia; 3-methylglutaconic aciduria with cataracts, neurologic involvement and neutropenia. Identifiers: Orphanet 445038, MedGen C5676893, MONDO:0014561, OMIM 616271.

Allele frequency attached by ClinVar (database versions not stated): gnomAD exomes below 0.00001; ExAC 0.00001.
gnomAD v4.1: 2 of 1,612,198 alleles (0.00012%); highest among the groups gnomAD compares: African/African-American, 0.0013%; no homozygotes.

Submissions (2):

CeGaT Center for Human Genetics Tuebingen
Classification: Uncertain significance. Last evaluated: 2023-10-01. Review status: criteria provided, single submitter. Criteria: CeGaT Center For Human Genetics Tuebingen Variant Classification Criteria Version 2. Collection method: clinical testing. Allele origin: germline. Affected: yes. Observed: 1 variant allele.
Comment: CLPB: PM2, BP4

Labcorp Genetics (formerly Invitae), Labcorp
Classification: Uncertain significance for 3-methylglutaconic aciduria, type VIIB. Last evaluated: 2022-10-04. Review status: criteria provided, single submitter. Criteria: Invitae Variant Classification Sherloc (09022015). Collection method: clinical testing. Allele origin: germline.
Comment: This sequence change replaces alanine, which is neutral and non-polar, with valine, which is neutral and non-polar, at codon 61 of the CLPB protein (p.Ala61Val). The frequency data for this variant in the population databases is considered unreliable, as metrics indicate poor data quality at this position in the gnomAD database. This variant has not been reported in the literature in individuals affected with CLPB-related conditions. ClinVar contains an entry for this variant (Variation ID: 1059570). Algorithms developed to predict the effect of missense changes on protein structure and function output the following: SIFT: "Deleterious"; PolyPhen-2: "Benign"; Align-GVGD: "Class C0". The valine amino acid residue is found in multiple mammalian species, which suggests that this missense change does not adversely affect protein function. In summary, the available evidence is currently insufficient to determine the role of this variant in disease. Therefore, it has been classified as a Variant of Uncertain Significance.

NM_001258392.3(CLPB):c.182C>T (p.Ala61Val)

Genes: CLPB (ClpB family mitochondrial disaggregase; minus strand), LOC130006336 (ATAC-STARR-seq lymphoblastoid active region 5191; plus strand). Cytogenetic location: 11q13.4.
Variant type: single nucleotide variant.
Coding change: c.182C>T on transcript NM_001258392.3 (MANE Select); coding-DNA position 182, C replaced by T.
Protein change: p.Ala61Val; replaces alanine 61 with valine.
Molecular consequence: missense variant. On other transcripts: 5 prime UTR variant (1).
Genome position (GRCh38, 1-based): chr11:72,434,293, G>A on the plus strand (C>T on the coding strand, the complement: CLPB is on the minus strand). VCF-style: chr11-72434293-G-A. GRCh37 (hg19) VCF-style: chr11-72145337-G-A.
Other names: c.182C>T, p.Ala61Val (NM_001258393.3, NM_030813.6); c.-61C>T (NM_001258394.3); short protein forms A61V.
Identifiers: ClinVar variation 1059570 (VCV001059570.33), dbSNP rs767517671, ClinGen allele CA6171659.